The following is an entry in ClinVar:

NM_001142966.3(GREB1L):c.5519A>G (p.Asn1840Ser)

Gene: GREB1L (GREB1 like retinoic acid receptor coactivator; plus strand). Cytogenetic location: 18q11.2.
Variant type: single nucleotide variant.
Coding change: c.5519A>G on transcript NM_001142966.3 (MANE Select); coding-DNA position 5519, A replaced by G.
Protein change: p.Asn1840Ser; replaces asparagine 1840 with serine.
Molecular consequence: missense variant.
Genome position (GRCh38, 1-based): chr18:21,520,734, A>G. VCF-style: chr18-21520734-A-G. GRCh37 (hg19) VCF-style: chr18-19100695-A-G.
Other names: c.5648A>G, p.Asn1883Ser (NM_001410867.1); c.5192A>G, p.Asn1731Ser (NM_001410868.1); short protein forms N1731S, N1840S, N1883S.
Identifiers: ClinVar variation 4985279 (VCV004985279.1).
Genomic context (GRCh38, chr18:21,520,734, plus strand): 5'-CTTGATGATTTCAGGTGGCCATATGCTATATCAGCTCCAGACCCCACTCCAGCAATGTCA[A>G]CTGTGAAGGGGTGTTTTTCAGTGGACTCCTTTTGTACCTCTGTGACTCTTTTGTAGGTGC-3'
Protein context (NP_001136438.1, residues 1830-1850): ISSRPHSSNV[Asn1840Ser]CEGVFFSGLL

ClinVar aggregate classification (germline): Uncertain significance (1 of 4 stars; one submission).

Conditions:
GREB1L-related disorder. Also called: GREB1L-related condition.

gnomAD v4.1: 17 of 1,551,432 alleles (0.0011%); highest among the groups gnomAD compares: Middle Eastern, 0.033%; no homozygotes.

Submission:

PreventionGenetics, part of Exact Sciences
Classification: Uncertain significance for GREB1L-related condition. Last evaluated: 2025-01-09. Review status: criteria provided, single submitter. Criteria: ACMG Guidelines, 2015. Collection method: clinical testing. Allele origin: germline.
Comment: The GREB1L c.5519A>G variant is predicted to result in the amino acid substitution p.Asn1840Ser. To our knowledge, this variant has not been reported in the literature. This variant is reported in 0.0092% of alleles in individuals of East Asian descent in gnomAD. At this time, the clinical significance of this variant is uncertain due to the absence of conclusive functional and genetic evidence.